The following is an entry in ClinVar:

NM_001024630.4(RUNX2):c.523A>G (p.Met175Val)

Gene: RUNX2 (RUNX family transcription factor 2; plus strand). Cytogenetic location: 6p21.1.
Variant type: single nucleotide variant.
Coding change: c.523A>G on transcript NM_001024630.4 (MANE Select); coding-DNA position 523, A replaced by G.
Protein change: p.Met175Val; replaces methionine 175 with valine.
Molecular consequence: missense variant.
Genome position (GRCh38, 1-based): chr6:45,431,962, A>G. VCF-style: chr6-45431962-A-G. GRCh37 (hg19) VCF-style: chr6-45399699-A-G.
Other names: c.523A>G, p.Met175Val (NM_001015051.4); c.481A>G, p.Met161Val (NM_001278478.2, NM_001369405.1); short protein forms M161V, M175V.
Identifiers: ClinVar variation 911156 (VCV000911156.11), dbSNP rs201647225, ClinGen allele CA3836415.

ClinVar aggregate classification (germline): Conflicting classifications of pathogenicity. Review status: criteria provided, conflicting classifications (1 of 4 stars). 4 submissions from 4 submitters: Uncertain significance (2); Benign (1). 1 of the submissions does not count toward it. Last evaluated 2025-12-15.

Conditions:
RUNX2-related disorder. Also called: RUNX2-related condition.
Cleidocranial dysostosis (CLCD1). Also called: Marie-Sainton disease; cleidocranial dysplasia 1; Cleidocranial Dysplasia Spectrum Disorder. Identifiers: Orphanet 1452, MedGen C0008928, MONDO:0007340, OMIM 119600.

Allele frequency attached by ClinVar (database versions not stated): gnomAD exomes 0.00006 and 0.00011; TOPMed 0.00010; ExAC 0.00013.

Submissions (4):

Labcorp Genetics (formerly Invitae), Labcorp
Classification: Uncertain significance. Last evaluated: 2025-12-15. Review status: criteria provided, single submitter. Criteria: Invitae Variant Classification Sherloc (09022015). Collection method: clinical testing. Allele origin: germline.
Comment: This sequence change replaces methionine, which is neutral and non-polar, with valine, which is neutral and non-polar, at codon 175 of the RUNX2 protein (p.Met175Val). This variant is present in population databases (rs201647225, gnomAD 0.02%). This missense change has been observed in individual(s) with cleidocranial dysplasia (PMID: 20648631). ClinVar contains an entry for this variant (Variation ID: 911156). Invitae Evidence Modeling of protein sequence and biophysical properties (such as structural, functional, and spatial information, amino acid conservation, physicochemical variation, residue mobility, and thermodynamic stability) indicates that this missense variant is not expected to disrupt RUNX2 protein function with a negative predictive value of 80%. This variant disrupts the p.Met175 amino acid residue in RUNX2. Other variant(s) that disrupt this residue have been observed in individuals with RUNX2-related conditions (PMID: 9207800, 20648631, 32360898), which suggests that this may be a clinically significant amino acid residue. In summary, the available evidence is currently insufficient to determine the role of this variant in disease. Therefore, it has been classified as a Variant of Uncertain Significance.

Baylor Genetics
Classification: Uncertain significance for Cleidocranial dysostosis. Last evaluated: 2018-10-18. Review status: criteria provided, single submitter. Criteria: ACMG Guidelines, 2015. Collection method: clinical testing. Allele origin: maternal. Affected: yes.
Comment: This variant was determined to be of uncertain significance according to ACMG Guidelines, 2015 [PMID:25741868].

Illumina Laboratory Services, Illumina
Classification: Benign for Cleidocranial dysostosis. Last evaluated: 2017-04-28. Review status: criteria provided, single submitter. Criteria: ICSL Variant Classification Criteria 13 December 2019. Collection method: clinical testing. Allele origin: germline.
Comment: This variant was observed as part of a predisposition screen in an ostensibly healthy population. A literature search was performed for the gene, cDNA change, and amino acid change (where applicable). Publications were found based on this search. The evidence from the literature, in combination with allele frequency data from public databases where available, was sufficient to rule this variant out of causing disease. Therefore, this variant is classified as benign.

PreventionGenetics, part of Exact Sciences
Classification: Uncertain significance for RUNX2-related condition. Last evaluated: 2024-09-21. Review status: no assertion criteria provided. Collection method: clinical testing. Allele origin: germline. Not counted in ClinVar's aggregate classification.
Comment: The RUNX2 c.523A>G variant is predicted to result in the amino acid substitution p.Met175Val. This variant has been reported in a patient with Cleidocranial dysplasia (CDD) (Ott et al. 2010. PubMed ID: 20648631). Also a different substitution of the same amino acid (p.Met175Arg and p.Met175Lys)l have been documented causative for CDD (Lee et al. 1997. PubMed ID: 9207800). Although we suspect this variant could be pathogenic, at this time, the clinical significance of this variant is uncertain due to the absence of conclusive functional and genetic evidence.

Literature cited by the submitters: PubMed 20648631 (cited by Labcorp Genetics (formerly Invitae), Labcorp and Illumina Laboratory Services, Illumina); PubMed 9207800 (cited by Labcorp Genetics (formerly Invitae), Labcorp); PubMed 32360898 (cited by Labcorp Genetics (formerly Invitae), Labcorp).